The following is an entry in ClinVar:

NM_001351132.2(PEX5):c.1684C>G (p.Leu562Val)

Gene: PEX5 (peroxisomal biogenesis factor 5; plus strand). Cytogenetic location: 12p13.31.
Variant type: single nucleotide variant.
Coding change: c.1684C>G on transcript NM_001351132.2 (MANE Select); coding-DNA position 1684, C replaced by G.
Protein change: p.Leu562Val; replaces leucine 562 with valine.
Molecular consequence: missense variant.
Genome position (GRCh38, 1-based): chr12:7,209,806, C>G. VCF-style: chr12-7209806-C-G. GRCh37 (hg19) VCF-style: chr12-7362402-C-G.
Other names: c.1660C>G, p.Leu554Val (NM_000319.5); c.1729C>G, p.Leu577Val (NM_001131023.2); c.1573C>G, p.Leu525Val (NM_001131024.2, NM_001351124.3, NM_001351126.2 and 7 more transcripts); c.1684C>G, p.Leu562Val (NM_001131025.2, NM_001131026.2, NM_001300789.3 and 4 more transcripts); c.1618C>G, p.Leu540Val (NM_001351135.3, NM_001351138.2); c.1675C>G, p.Leu559Val (NM_001351136.2); c.1549C>G, p.Leu517Val (NM_001351139.2, NM_001351140.2, NM_001374649.2); short protein forms L554V, L559V, L562V, L540V, L525V, L517V, L577V.
Identifiers: ClinVar variation 1356118 (VCV001356118.6), dbSNP rs1945310790, ClinGen allele CA383738572.

ClinVar aggregate classification (germline): Uncertain significance (1 of 4 stars; one submission).

Conditions:
Peroxisome biogenesis disorder 2B (PBD2B). Identifiers: Orphanet 44, MedGen C3550234, MONDO:0008736, OMIM 202370.

Allele frequency attached by ClinVar (database versions not stated): TOPMed 0.00001.
gnomAD v4.1: 1 of 1,614,224 alleles (0.000062%); no homozygotes.

Submission:

Labcorp Genetics (formerly Invitae), Labcorp
Classification: Uncertain significance for Peroxisome biogenesis disorder 2B. Last evaluated: 2026-01-12. Review status: criteria provided, single submitter. Criteria: Invitae Variant Classification Sherloc (09022015). Collection method: clinical testing. Allele origin: germline.
Comment: This sequence change replaces leucine, which is neutral and non-polar, with valine, which is neutral and non-polar, at codon 562 of the PEX5 protein (p.Leu562Val). This variant is not present in population databases (gnomAD no frequency). This variant has not been reported in the literature in individuals affected with PEX5-related conditions. ClinVar contains an entry for this variant (Variation ID: 1356118). Invitae Evidence Modeling of protein sequence and biophysical properties (such as structural, functional, and spatial information, amino acid conservation, physicochemical variation, residue mobility, and thermodynamic stability) has been performed for this missense variant. However, the output from this modeling did not meet the statistical confidence thresholds required to predict the impact of this variant on PEX5 protein function. In summary, the available evidence is currently insufficient to determine the role of this variant in disease. Therefore, it has been classified as a Variant of Uncertain Significance.